The following is an entry in ClinVar:

NM_001009944.3(PKD1):c.11608C>T (p.Arg3870Cys)

Genes: PKD1 (polycystin 1, transient receptor potential channel interacting; minus strand), PKD1-AS1 (PKD1 antisense RNA 1; plus strand). Cytogenetic location: 16p13.3.
Variant type: single nucleotide variant.
Coding change: c.11608C>T on transcript NM_001009944.3 (MANE Select); coding-DNA position 11608, C replaced by T.
Protein change: p.Arg3870Cys; replaces arginine 3870 with cysteine.
Molecular consequence: missense variant. On other transcripts: non-coding transcript variant (1).
Genome position (GRCh38, 1-based): chr16:2,091,527, G>A on the plus strand (C>T on the coding strand, the complement: PKD1 is on the minus strand). VCF-style: chr16-2091527-G-A. GRCh37 (hg19) VCF-style: chr16-2141528-G-A.
Other names: c.11605C>T, p.Arg3869Cys (NM_000296.4); short protein forms R3870C, R3869C.
Identifiers: ClinVar variation 4988748 (VCV004988748.1).
Genomic context (GRCh38, chr16:2,091,527, plus strand): 5'-GCGCAAAGGGGCGGACGCTGAGGGCGGCCAGGGCGCGGCCGGCCGCCGGGAACTCGAGGC[G>A]CAGCGTGACGGCGGCGTGCAGCCCCACGGCCGGGCTGTAGCGCGTGAGCTCCAGGAACAC-3'
Protein context (NP_001009944.3, residues 3860-3880): AVGLHAAVTL[Arg3870Cys]LEFPAAGRAL

ClinVar aggregate classification (germline): Uncertain significance (1 of 4 stars; one submission).

Conditions:
PKD1-related disorder. Also called: PKD1-related condition.

Submission:

PreventionGenetics, part of Exact Sciences
Classification: Uncertain significance for PKD1-related condition. Last evaluated: 2026-07-23. Review status: criteria provided, single submitter. Criteria: ACMG Guidelines, 2015. Collection method: clinical testing. Allele origin: germline.
Comment: The PKD1 c.11608C>T variant is predicted to result in the amino acid substitution p.Arg3870Cys. To our knowledge, this variant has not been reported in the literature or in a large population database (gnomAD), indicating this variant is rare. An alternate variant at this same amino acid position (PKD1 c.11609G>T (p.Arg3870Leu)) has been reported in an individual with autosomal dominant polycystic kidney disease (Neumann et al. 2013. PubMed ID: 23300259). At this time, the clinical significance of this variant is uncertain due to the absence of conclusive functional and genetic evidence.